The following is an entry in ClinVar:

NM_015541.3(LRIG1):c.837C>A (p.Leu279=)

Gene: LRIG1 (leucine rich repeats and immunoglobulin like domains 1; minus strand). Cytogenetic location: 3p14.1.
Variant type: single nucleotide variant.
Coding change: c.837C>A on transcript NM_015541.3 (MANE Select); coding-DNA position 837, C replaced by A.
Protein change: p.Leu279=; no amino-acid change (leucine 279 retained).
Molecular consequence: synonymous variant.
Genome position (GRCh38, 1-based): chr3:66,410,227, G>T on the plus strand (C>A on the coding strand, the complement: LRIG1 is on the minus strand). VCF-style: chr3-66410227-G-T. GRCh37 (hg19) VCF-style: chr3-66460651-G-T.
Other names: c.762C>A, p.Leu254= (NM_001377344.1); c.57C>A, p.Leu19= (NM_001377345.1, NM_001377346.1).
Identifiers: ClinVar variation 3038570 (VCV003038570.2), dbSNP rs142283895, ClinGen allele CA2485036.

ClinVar aggregate classification (germline): Likely benign (0 of 4 stars; one submission).

Conditions:
LRIG1-related disorder. Also called: LRIG1-related condition.

Allele frequency attached by ClinVar (database versions not stated): ExAC 0.00022; gnomAD 0.00046; ESP Exome Variant Server 0.00054; TOPMed 0.00054; 1000 Genomes Project 30x 0.00062; 1000 Genomes Project 0.00080.
gnomAD v4.1: 222 of 1,613,968 alleles (0.014%); highest among the groups gnomAD compares: African/African-American, 0.17%; 3 homozygotes.

Submission:

PreventionGenetics, part of Exact Sciences
Classification: Likely benign for LRIG1-related condition. Last evaluated: 2019-03-04. Review status: no assertion criteria provided. Collection method: clinical testing. Allele origin: germline.
Comment: This variant is classified as likely benign based on ACMG/AMP sequence variant interpretation guidelines (Richards et al. 2015 PMID: 25741868, with internal and published modifications).